The following is an entry in ClinVar:

ClinVar aggregate classification (germline): Uncertain significance (1 of 4 stars; one submission).

Conditions:
Muscular dystrophy-dystroglycanopathy (congenital with brain and eye anomalies), type A2. Also called: WALKER-WARBURG SYNDROME OR MUSCLE-EYE-BRAIN DISEASE, POMT2-RELATED; MUSCULAR DYSTROPHY-DYSTROGLYCANOPATHY (CONGENITAL WITH BRAIN AND EYE ANOMALIES), TYPE A, 2. Identifiers: Orphanet 588, Orphanet 899, MedGen C3150411, MONDO:0013154, OMIM 613150.
Muscular dystrophy-dystroglycanopathy (congenital with impaired intellectual development), type B, 2. Also called: Muscular dystrophy-dystroglycanopathy (congenital with intellectual disability), type B2; MUSCULAR DYSTROPHY, CONGENITAL, POMT2-RELATED. Identifiers: MedGen C3150416, MONDO:0013160, OMIM 613156.
Autosomal recessive limb-girdle muscular dystrophy type 2N. Also called: MUSCULAR DYSTROPHY-DYSTROGLYCANOPATHY, LIMB-GIRDLE, POMT2-RELATED; Muscular dystrophy-dystroglycanopathy (limb-girdle), type C, 2. Identifiers: Orphanet 206559, MedGen C3150418, MONDO:0013162, OMIM 613158.

gnomAD v4.1: 1 of 1,610,896 alleles (0.000062%); highest among the groups gnomAD compares: Non-Finnish European, 0.000085%; no homozygotes.

Submission:

Labcorp Genetics (formerly Invitae), Labcorp
Classification: Uncertain significance for Muscular dystrophy-dystroglycanopathy (congenital with impaired intellectual development), type B, 2; Muscular dystrophy-dystroglycanopathy (congenital with brain and eye anomalies), type A2; Autosomal recessive limb-girdle muscular dystrophy type 2N. Last evaluated: 2018-08-26. Review status: criteria provided, single submitter. Criteria: Invitae Variant Classification Sherloc (09022015). Collection method: clinical testing. Allele origin: germline.
Comment: This sequence change disrupts the translational stop signal of the POMT2 mRNA. It is expected to extend the length of the POMT2 protein by 32 additional amino acid residues. This variant is not present in population databases (ExAC no frequency). In summary, the available evidence is currently insufficient to determine the role of this variant in disease. Therefore, it has been classified as a Variant of Uncertain Significance. This variant has not been reported in the literature in individuals with POMT2-related disease.

NM_013382.7(POMT2):c.2251T>C (p.Ter751Arg)

Gene: POMT2 (protein O-mannosyltransferase 2; minus strand). Cytogenetic location: 14q24.3.
Variant type: single nucleotide variant.
Coding change: c.2251T>C on transcript NM_013382.7 (MANE Select); coding-DNA position 2251, T replaced by C.
Protein change: p.Ter751Arg.
Molecular consequence: stop lost.
Genome position (GRCh38, 1-based): chr14:77,277,378, A>G on the plus strand (T>C on the coding strand, the complement: POMT2 is on the minus strand). VCF-style: chr14-77277378-A-G. GRCh37 (hg19) VCF-style: chr14-77743721-A-G.
Other names: *751R.
Identifiers: ClinVar variation 665182 (VCV000665182.9), dbSNP rs1423335226, ClinGen allele CA390512522.